The following is an entry in ClinVar:

NM_000390.4(CHM):c.1624del (p.Glu542fs)

Gene: CHM (CHM Rab escort protein; minus strand). Cytogenetic location: Xq21.2.
Variant type: Deletion.
Coding change: c.1624del on transcript NM_000390.4 (MANE Select); coding-DNA position 1624, one base deleted (G; older notation c.1624delG).
Protein change: p.Glu542fs; shifts the reading frame from glutamic acid 542.
Molecular consequence: frameshift variant.
Genome position (GRCh38, 1-based): chrX:85,873,198, C deleted on the plus strand (G on the coding strand, the reverse complement: CHM is on the minus strand). VCF-style (leftmost placement, unchanged base first): chrX-85873197-TC-T. GRCh37 (hg19) VCF-style: chrX-85128202-TC-T.
Other names: c.1180del, p.Glu394fs (NM_001320959.1, NM_001362517.1, NM_001362518.2 and 1 more transcripts); short protein forms E394fs, E542fs.
Identifiers: ClinVar variation 3724287 (VCV003724287.2).

ClinVar aggregate classification (germline): Pathogenic (1 of 4 stars; one submission).

Submission:

Labcorp Genetics (formerly Invitae), Labcorp
Classification: Pathogenic. Last evaluated: 2024-05-01. Review status: criteria provided, single submitter. Criteria: Invitae Variant Classification Sherloc (09022015). Collection method: clinical testing. Allele origin: germline.
Comment: This sequence change creates a premature translational stop signal (p.Glu542Lysfs*13) in the CHM gene. It is expected to result in an absent or disrupted protein product. Loss-of-function variants in CHM are known to be pathogenic (PMID: 9067750, 23811034). This variant is not present in population databases (gnomAD no frequency). This premature translational stop signal has been observed in individual(s) with choroideremia (PMID: 16936131). This variant is also known as 1654delG. For these reasons, this variant has been classified as Pathogenic.

Literature cited by the submitters: PubMed 9067750; PubMed 23811034; PubMed 16936131.